The following is an entry in ClinVar:

ClinVar aggregate classification (germline): Conflicting classifications of pathogenicity. Review status: criteria provided, conflicting classifications (1 of 4 stars). 4 submissions from 4 submitters: Uncertain significance (1); Likely benign (3). Last evaluated 2025-11-19.

Conditions:
Tuberous sclerosis syndrome (TSC). Also called: Tuberous sclerosis; Tuberous Sclerosis Complex. Identifiers: Orphanet 805, MedGen C0041341, MONDO:0001734.
Tuberous sclerosis 2 (TSC2). Identifiers: Orphanet 805, MedGen C1860707, MONDO:0013199, OMIM 613254.

Allele frequency attached by ClinVar (database versions not stated): gnomAD 0.00001.
gnomAD v4.1: 18 of 1,613,030 alleles (0.0011%); highest among the groups gnomAD compares: Non-Finnish European, 0.0015%; no homozygotes.

Submissions (4):

Labcorp Genetics (formerly Invitae), Labcorp
Classification: Likely benign for Tuberous sclerosis 2. Last evaluated: 2025-11-19. Review status: criteria provided, single submitter. Criteria: Invitae Variant Classification Sherloc (09022015). Collection method: clinical testing. Allele origin: germline.

Color Diagnostics, LLC DBA Color Health
Classification: Likely benign for Tuberous sclerosis syndrome. Last evaluated: 2025-07-09. Review status: criteria provided, single submitter. Criteria: ACMG Guidelines, 2015. Collection method: clinical testing. Allele origin: germline.

All of Us Research Program, National Institutes of Health
Classification: Uncertain significance for Tuberous sclerosis syndrome. Last evaluated: 2023-12-13. Review status: criteria provided, single submitter. Criteria: ACMG Guidelines, 2015. Collection method: clinical testing. Allele origin: germline. Inheritance: Autosomal dominant inheritance. Observed: 3 variant alleles, 3 heterozygotes.
Comment: This variant causes a C to G nucleotide substitution at the -12 position of intron 40 of the TSC2 gene. Splice site prediction tools suggest that this variant may not impact RNA splicing. To our knowledge, functional studies have not been reported for this variant. This variant has not been reported in individuals affected with TSC2-related disorders in the literature. This variant has not been identified in the general population by the Genome Aggregation Database (gnomAD). The available evidence is insufficient to determine the role of this variant in disease conclusively. Therefore, this variant is classified as a Variant of Uncertain Significance.

This study involves interpretation of variants in research participants for the purpose of population health screening. Participant phenotype was not available at the time of variant classification. Additional details can be found in publication PMID: 35346344, PMCID: PMC8962531

GeneDx
Classification: Likely benign. Last evaluated: 2017-12-28. Review status: criteria provided, single submitter. Criteria: GeneDx Variant Classification (06012015). Collection method: clinical testing. Allele origin: germline. Affected: yes.
Comment: This variant is considered likely benign or benign based on one or more of the following criteria: it is a conservative change, it occurs at a poorly conserved position in the protein, it is predicted to be benign by multiple in silico algorithms, and/or has population frequency not consistent with disease.

NM_000548.5(TSC2):c.5161-12C>G

Gene: TSC2 (TSC complex subunit 2; plus strand). Cytogenetic location: 16p13.3.
Variant type: single nucleotide variant.
Coding change: c.5161-12C>G on transcript NM_000548.5 (MANE Select); 12 bases into the intron before coding-DNA position 5161, C replaced by G.
Molecular consequence: intron variant.
Genome position (GRCh38, 1-based): chr16:2,088,215, C>G. VCF-style: chr16-2088215-C-G. GRCh37 (hg19) VCF-style: chr16-2138216-C-G.
Other names: c.5092-12C>G (NM_001114382.3); c.5032-12C>G (NM_021055.3); c.5032-24C>G (NM_001370405.1); c.4963-12C>G (NM_001363528.2); c.5029-12C>G (NM_001370404.1); c.4960-12C>G (NM_001077183.3); c.4852-12C>G (NM_001318827.2); c.4429-12C>G (NM_001318831.2); and 2 more.
Identifiers: ClinVar variation 514506 (VCV000514506.10), dbSNP rs1555440351, ClinGen allele CA658798498.